The following continues an entry in ClinVar:

NM_206933.4(USH2A):c.8559-2A>G

Gene: USH2A. ClinVar aggregate classification (germline): Pathogenic. Pathogenic (1).

Submissions 10 to 24 of 24:

Women's Health and Genetics/Laboratory Corporation of America, LabCorp
Classification: Pathogenic for Usher syndrome. Last evaluated: 2024-05-30. Review status: criteria provided, single submitter. Criteria: LabCorp Variant Classification Summary - May 2015. Collection method: clinical testing. Allele origin: germline. Not counted in ClinVar's aggregate classification.
Comment: Variant summary: USH2A c.8559-2A>G is located in a canonical splice-site and is predicted to affect mRNA splicing resulting in a significantly altered protein due to either exon skipping, shortening, or inclusion of intronic material. Several computational tools predict a significant impact on normal splicing: Four predict the variant abolishes a 3' acceptor site. However, these predictions have yet to be confirmed by functional studies. The variant allele was found at a frequency of 3.2e-05 in 251134 control chromosomes (gnomAD). c.8559-2A>G has been reported in the literature in multiple individuals affected with Usher Syndrome (Dai_2008, Gao_2021). These data indicate that the variant is very likely to be associated with disease. To our knowledge, no experimental evidence demonstrating an impact on protein function has been reported. The following publications have been ascertained in the context of this evaluation (PMID: 19023448, 32188678). ClinVar contains an entry for this variant (Variation ID: 48604). Based on the evidence outlined above, the variant was classified as pathogenic.

Baylor Genetics
Classification: Pathogenic for Retinitis pigmentosa 39. Last evaluated: 2024-03-20. Review status: criteria provided, single submitter. Criteria: ACMG Guidelines, 2015. Collection method: clinical testing. Allele origin: unknown. Not counted in ClinVar's aggregate classification.

GeneDx
Classification: Pathogenic. Last evaluated: 2023-12-27. Review status: criteria provided, single submitter. Criteria: GeneDx Variant Classification Process June 2021. Collection method: clinical testing. Allele origin: germline. Affected: yes. Not counted in ClinVar's aggregate classification.
Comment: Canonical splice site variant expected to result in aberrant splicing, and published functional studies demonstrate skipping of exon 43 (PMID: 20596040); Reported as pathogenic by the ClinGen Hearing Loss Variant Curation Expert Panel (ClinVar SCV000840538.3; ClinVar); This variant is associated with the following publications: (PMID: 25356976, 21593743, 25252889, 28512305, 25078356, 34416374, 33629268, 30311386, 32531858, 35062939, 25133613, 25525159, 19023448, 26252086, 24853665, 19737284, 28968992, 26496393, 25558175, 29899460, 30029497, 29625443, 31872526, 31960602, 32093671, 31904091, 32100970, 31541171, 32188678, 33105608, 33124170, 34376197, 32675063, 32893482, 33090715, 33946315, 33691693, 34721897, 35870892, 35152177, 35052368, 34824372, 20596040, 26338283)

Dept Of Ophthalmology, Nagoya University
Classification: Pathogenic for Retinal dystrophy. Last evaluated: 2023-10-01. Review status: criteria provided, single submitter. Criteria: Submitter's publication. Collection method: research. Allele origin: germline. Affected: yes. Not counted in ClinVar's aggregate classification.

Revvity Omics, Revvity
Classification: Pathogenic. Last evaluated: 2022-05-13. Review status: criteria provided, single submitter. Criteria: ACMG Guidelines, 2015. Collection method: clinical testing. Allele origin: germline. Not counted in ClinVar's aggregate classification.

Fulgent Genetics
Classification: Pathogenic for Usher syndrome type 2A; Retinitis pigmentosa 39. Last evaluated: 2022-04-20. Review status: criteria provided, single submitter. Criteria: ACMG Guidelines, 2015. Collection method: clinical testing. Allele origin: unknown. Not counted in ClinVar's aggregate classification.

Blueprint Genetics
Classification: Pathogenic for USH2A-related disorders. Last evaluated: 2022-03-28. Review status: criteria provided, single submitter. Criteria: ACMG Guidelines, 2015. Collection method: clinical testing. Allele origin: germline. Affected: yes. Observed: 5 variant alleles. Not counted in ClinVar's aggregate classification.

Institute of Human Genetics, Univ. Regensburg, Univ. Regensburg
Classification: Pathogenic for Retinal dystrophy. Last evaluated: 2022-01-01. Review status: criteria provided, single submitter. Criteria: ACMG Guidelines, 2015. Collection method: clinical testing. Allele origin: germline. Affected: yes. Not counted in ClinVar's aggregate classification.

Myriad Genetics, Inc.
Classification: Pathogenic for Usher syndrome type 2A. Last evaluated: 2021-11-09. Review status: criteria provided, single submitter. Criteria: Myriad Women's Health Autosomal Recessive and X-Linked Classification Criteria (2021). Collection method: clinical testing. Allele origin: unknown. Not counted in ClinVar's aggregate classification.
Comment: NM_206933.2(USH2A):c.8559-2A>G is a canonical splice site variant classified as pathogenic in the context of USH2A-related disorders. c.8559-2A>G has been observed in cases with relevant disease (PMID: 25324289, 20596040, 25356976). Functional assessments of this variant are available in the literature (PMID: 20596040). c.8559-2A>G has been observed in population frequency databases (gnomAD: EAS 0.05%). In summary, NM_206933.2(USH2A):c.8559-2A>G is a canonical splice site variant that has been observed more frequently in cases with the relevant disease than in healthy populations. Please note: this variant was assessed in the context of healthy population screening.

Institute of Medical Genetics and Applied Genomics, University Hospital Tübingen
Classification: Pathogenic. Last evaluated: 2021-06-17. Review status: criteria provided, single submitter. Criteria: ACMG Guidelines, 2015. Collection method: clinical testing. Allele origin: germline. Inheritance: Autosomal recessive inheritance. Affected: yes. Not counted in ClinVar's aggregate classification.

Eurofins Ntd Llc (ga)
Classification: Pathogenic. Last evaluated: 2017-01-19. Review status: criteria provided, single submitter. Criteria: EGL Classification Definitions 2015. Collection method: clinical testing. Allele origin: germline. Observed: 2 variant alleles, 2 heterozygotes. Not counted in ClinVar's aggregate classification.

Laboratory for Molecular Medicine, Mass General Brigham Personalized Medicine
Classification: Pathogenic for Rare genetic deafness. Last evaluated: 2011-09-12. Review status: criteria provided, single submitter. Criteria: LMM Criteria. Collection method: clinical testing. Allele origin: germline. Observed: 2 variant alleles. Not counted in ClinVar's aggregate classification.
Comment: The 8559-2A>G variant in USH2A has been reported in 6 Asian individuals with Ush er type 2 and was absent in 470 Asian control chromosomes (Dai 2008, Nakanishi 2 009). All of these probands were compound heterozygous. This variant is predicte d to cause abnormal splicing because the nucleotide substitution occurs in the i nvariant region of the splice consensus sequence. Furthermore, RT-PCR analysis o f cells from a patient carrying the variant revealed that the variant causes ski pping of exon 43, resulting in a 41 amino acid deletion of the USH2A protein (Na kanishi 2010). In summary, this variant meets our criteria to be classified as p athogenic.

Juno Genomics, Hangzhou Juno Genomics, Inc
Classification: Pathogenic for Retinitis pigmentosa 39; Usher syndrome type 2A. Review status: criteria provided, single submitter. Criteria: ACMG Guidelines, 2015. Collection method: clinical testing. Allele origin: germline. Not counted in ClinVar's aggregate classification.
Comment: Null variant in a gene where loss of function (LOF) is a known mechanism of disease.;For recessive disorders, detected in trans with a pathogenic variant.;Patient's phenotype or family history is highly specific for a disease with a single genetic etiology.;Co-segregation with disease in multiple affected family members.

Genetic Testing Center for Deafness, Department of Otolaryngology Head & Neck Surgery, Institute of Otolaryngology, Chinese PLA General Hospital
Classification: Pathogenic for Usher syndrome type 2A. Last evaluated: 2019-02-26. Review status: no assertion criteria provided. Collection method: case-control. Allele origin: inherited. Affected: yes. Observed: 1 variant allele. Not counted in ClinVar's aggregate classification.

Department of Ophthalmology and Visual Sciences Kyoto University
Classification: Pathogenic for Retinitis pigmentosa. Review status: no assertion criteria provided. Collection method: not provided. Allele origin: unknown. Not counted in ClinVar's aggregate classification.
ClinVar note: Converted during submission from pathogenic to Pathogenic.

Literature cited by the submitters: PubMed 19023448 (cited by 7 submitters); PubMed 25133613 (cited by 3 submitters); PubMed 26338283 (cited by ClinGen Hearing Loss Variant Curation Expert Panel); PubMed 24853665 (cited by ClinGen Hearing Loss Variant Curation Expert Panel and Institute of Human Genetics, Univ. Regensburg, Univ. Regensburg); PubMed 25356976 (cited by 4 submitters); PubMed 19737284 (cited by 4 submitters); PubMed 16199547 (cited by Labcorp Genetics (formerly Invitae), Labcorp); PubMed 10729113 (cited by Labcorp Genetics (formerly Invitae), Labcorp); PubMed 10909849 (cited by Labcorp Genetics (formerly Invitae), Labcorp); PubMed 20507924 (cited by Labcorp Genetics (formerly Invitae), Labcorp); PubMed 25649381 (cited by Labcorp Genetics (formerly Invitae), Labcorp); PubMed 20596040 (cited by 3 submitters); PubMed 20301515 (cited by Victorian Clinical Genetics Services, Murdoch Childrens Research Institute); PubMed 32188678 (cited by 3 submitters); PubMed 26252086 (cited by Institute of Human Genetics, Univ. Regensburg, Univ. Regensburg); PubMed 25525159 (cited by Institute of Human Genetics, Univ. Regensburg, Univ. Regensburg); PubMed 29899460 (cited by Institute of Human Genetics, Univ. Regensburg, Univ. Regensburg); PubMed 30311386 (cited by Institute of Human Genetics, Univ. Regensburg, Univ. Regensburg); PubMed 29625443 (cited by Institute of Human Genetics, Univ. Regensburg, Univ. Regensburg); PubMed 30029497 (cited by Institute of Human Genetics, Univ. Regensburg, Univ. Regensburg); PubMed 31872526 (cited by Institute of Human Genetics, Univ. Regensburg, Univ. Regensburg); PubMed 31213501 (cited by Institute of Human Genetics, Univ. Regensburg, Univ. Regensburg); PubMed 32893482 (cited by Institute of Human Genetics, Univ. Regensburg, Univ. Regensburg); PubMed 31960602 (cited by Institute of Human Genetics, Univ. Regensburg, Univ. Regensburg); PubMed 31964843 (cited by Institute of Human Genetics, Univ. Regensburg, Univ. Regensburg); PubMed 32093671 (cited by Institute of Human Genetics, Univ. Regensburg, Univ. Regensburg); PubMed 33105608 (cited by Institute of Human Genetics, Univ. Regensburg, Univ. Regensburg); PubMed 33090715 (cited by Institute of Human Genetics, Univ. Regensburg, Univ. Regensburg); PubMed 31904091 (cited by Institute of Human Genetics, Univ. Regensburg, Univ. Regensburg); PubMed 32100970 (cited by Institute of Human Genetics, Univ. Regensburg, Univ. Regensburg); PubMed 32531858 (cited by Institute of Human Genetics, Univ. Regensburg, Univ. Regensburg); PubMed 31541171 (cited by Institute of Human Genetics, Univ. Regensburg, Univ. Regensburg); PubMed 34416374 (cited by Institute of Human Genetics, Univ. Regensburg, Univ. Regensburg); PubMed 34721897 (cited by Institute of Human Genetics, Univ. Regensburg, Univ. Regensburg); PubMed 33946315 (cited by Institute of Human Genetics, Univ. Regensburg, Univ. Regensburg); PubMed 33629268 (cited by Institute of Human Genetics, Univ. Regensburg, Univ. Regensburg); PubMed 33691693 (cited by Institute of Human Genetics, Univ. Regensburg, Univ. Regensburg); PubMed 33124170 (cited by Institute of Human Genetics, Univ. Regensburg, Univ. Regensburg); PubMed 34824372 (cited by Institute of Human Genetics, Univ. Regensburg, Univ. Regensburg); PubMed 34376197 (cited by Institute of Human Genetics, Univ. Regensburg, Univ. Regensburg); PubMed 32675063 (cited by Institute of Human Genetics, Univ. Regensburg, Univ. Regensburg); PubMed 36464167 (cited by Institute of Human Genetics, Univ. Regensburg, Univ. Regensburg); PubMed 35062939 (cited by Institute of Human Genetics, Univ. Regensburg, Univ. Regensburg); PubMed 35152177 (cited by Institute of Human Genetics, Univ. Regensburg, Univ. Regensburg); PubMed 35052368 (cited by Institute of Human Genetics, Univ. Regensburg, Univ. Regensburg); PubMed 36284460 (cited by Institute of Human Genetics, Univ. Regensburg, Univ. Regensburg); PubMed 35982127 (cited by Institute of Human Genetics, Univ. Regensburg, Univ. Regensburg); PubMed 35870892 (cited by Institute of Human Genetics, Univ. Regensburg, Univ. Regensburg); PubMed 36785559 (cited by Institute of Human Genetics, Univ. Regensburg, Univ. Regensburg); PubMed 25324289 (cited by Myriad Genetics, Inc.).